The following is an entry in ClinVar:

ClinVar aggregate classification (germline): Benign. Review status: criteria provided, multiple submitters, no conflicts (2 of 4 stars). 3 submissions from 3 submitters: Benign (3). Last evaluated 2023-11-12.

Allele frequency attached by ClinVar (database versions not stated): gnomAD exomes 0.04147; 1000 Genomes Project 0.11921; gnomAD 0.11980 and 0.12663; 1000 Genomes Project 30x 0.12945; TOPMed 0.13427.

Submissions (3):

Unidad de Genómica Garrahan, Hospital de Pediatría Garrahan
Classification: Benign. Last evaluated: 2023-11-12. Review status: criteria provided, single submitter. Criteria: ACMG Guidelines, 2015. Collection method: clinical testing. Allele origin: germline. Affected: no. Observed: 20 variant alleles.
Comment: This variant is classified as Benign based on local population frequency. This variant was detected in 21% of patients studied by a panel of primary immunodeficiencies. Number of patients: 20. Only high quality variants are reported.

GeneDx
Classification: Benign. Last evaluated: 2021-05-14. Review status: criteria provided, single submitter. Criteria: GeneDx Variant Classification Process June 2021. Collection method: clinical testing. Allele origin: germline. Affected: yes.

Breakthrough Genomics
Classification: Benign. Review status: criteria provided, single submitter. Criteria: ACMG Guidelines, 2015. Collection method: not provided. Allele origin: germline. Inheritance: Autosomal recessive inheritance. Affected: yes.

NM_006397.3(RNASEH2A):c.127+72T>C

Gene: RNASEH2A (ribonuclease H2 subunit A; plus strand). Cytogenetic location: 19p13.13.
Variant type: single nucleotide variant.
Coding change: c.127+72T>C on transcript NM_006397.3 (MANE Select); 72 bases into the intron after coding-DNA position 127, T replaced by C.
Molecular consequence: intron variant.
Genome position (GRCh38, 1-based): chr19:12,806,872, T>C. VCF-style: chr19-12806872-T-C. GRCh37 (hg19) VCF-style: chr19-12917686-T-C.
Identifiers: ClinVar variation 1294926 (VCV001294926.5), dbSNP rs13345720, ClinGen allele CA15950283.